The following is an entry in ClinVar:

ClinVar aggregate classification (germline): Uncertain significance (1 of 4 stars; one submission).

Allele frequency attached by ClinVar (database versions not stated): gnomAD exomes 0.00002 and 0.00005; ExAC 0.00002; TOPMed 0.00002; gnomAD 0.00003.
gnomAD v4.1: 70 of 1,614,048 alleles (0.0043%); highest among the groups gnomAD compares: Non-Finnish European, 0.0058%; no homozygotes.

Submission:

Athena Diagnostics
Classification: Uncertain significance. Last evaluated: 2024-12-06. Review status: criteria provided, single submitter. Criteria: Athena Diagnostics Criteria. Collection method: clinical testing. Allele origin: unknown.
Comment: Available data are insufficient to determine the clinical significance of the variant at this time. The frequency of this variant in the general population is uninformative in assessment of its pathogenicity. Polyphen and MutationTaster predict this amino acid change may be benign.

NM_006796.3(AFG3L2):c.376C>T (p.His126Tyr)

Gene: AFG3L2 (AFG3 like matrix AAA peptidase subunit 2; minus strand). Cytogenetic location: 18p11.21.
Variant type: single nucleotide variant.
Coding change: c.376C>T on transcript NM_006796.3 (MANE Select); coding-DNA position 376, C replaced by T.
Protein change: p.His126Tyr; replaces histidine 126 with tyrosine.
Molecular consequence: missense variant.
Genome position (GRCh38, 1-based): chr18:12,367,299, G>A on the plus strand (C>T on the coding strand, the complement: AFG3L2 is on the minus strand). VCF-style: chr18-12367299-G-A. GRCh37 (hg19) VCF-style: chr18-12367298-G-A.
Other names: short protein forms H126Y.
Identifiers: ClinVar variation 446811 (VCV000446811.3), dbSNP rs752336670, ClinGen allele CA8896755.
Genomic context (GRCh38, chr18:12,367,299, plus strand): 5'-CATAACCTCAAAATTCACACAATGTATAGCATCAAACCTTCTGAAACCTGGACCACCAGT[G>A]AGAATCATCTTTCTTGCCACCTCGTTTTCCACCGCCACCACCTCCTCCTCCAGAAGAGCG-3'
Protein context (NP_006787.2, residues 116-136): GKRGGKKDDS[His126Tyr]WWSRFQKGDI